The following is an entry in ClinVar:

NM_020745.4(AARS2):c.679G>A (p.Asp227Asn)

Gene: AARS2 (alanyl-tRNA synthetase 2, mitochondrial; minus strand). Cytogenetic location: 6p21.1.
Variant type: single nucleotide variant.
Coding change: c.679G>A on transcript NM_020745.4 (MANE Select); coding-DNA position 679, G replaced by A.
Protein change: p.Asp227Asn; replaces aspartic acid 227 with asparagine.
Molecular consequence: missense variant.
Genome position (GRCh38, 1-based): chr6:44,311,064, C>T on the plus strand (G>A on the coding strand, the complement: AARS2 is on the minus strand). VCF-style: chr6-44311064-C-T. GRCh37 (hg19) VCF-style: chr6-44278801-C-T.
Other names: short protein forms D227N.
Identifiers: ClinVar variation 809943 (VCV000809943.47), dbSNP rs765016818, ClinGen allele CA3834574.
Genomic context (GRCh38, chr6:44,311,064, plus strand): 5'-GCATGAAGACCAGGTTCCAAAGCTCTACCAGCTGGGGGGCTCCCACCCCACCAGCAAGGT[C>T]GTAGTGGATCTCAGTACAGGGCCCACAAGGGCCAGTATCCCCCATCTCCCAGAAGTTCTC-3'
Protein context (NP_065796.2, residues 217-237): PCGPCTEIHY[Asp227Asn]LAGGVGAPQL

ClinVar aggregate classification (germline): Uncertain significance. Review status: criteria provided, multiple submitters, no conflicts (2 of 4 stars). 3 submissions from 3 submitters: Uncertain significance (3). Last evaluated 2024-12-02.

Conditions:
Combined oxidative phosphorylation defect type 8. Also called: CARDIOMYOPATHY, HYPERTROPHIC MITOCHONDRIAL, FATAL INFANTILE. Identifiers: Orphanet 319504, MedGen C4518839, MONDO:0013570, OMIM 614096.

Allele frequency attached by ClinVar (database versions not stated): gnomAD 0.00007 and 0.00009; TOPMed 0.00009.

Submissions (3):

Labcorp Genetics (formerly Invitae), Labcorp
Classification: Uncertain significance. Last evaluated: 2024-12-02. Review status: criteria provided, single submitter. Criteria: Invitae Variant Classification Sherloc (09022015). Collection method: clinical testing. Allele origin: germline.
Comment: This sequence change replaces aspartic acid, which is acidic and polar, with asparagine, which is neutral and polar, at codon 227 of the AARS2 protein (p.Asp227Asn). This variant is present in population databases (rs765016818, gnomAD 0.01%). This variant has not been reported in the literature in individuals affected with AARS2-related conditions. ClinVar contains an entry for this variant (Variation ID: 809943). Invitae Evidence Modeling of protein sequence and biophysical properties (such as structural, functional, and spatial information, amino acid conservation, physicochemical variation, residue mobility, and thermodynamic stability) indicates that this missense variant is expected to disrupt AARS2 protein function with a positive predictive value of 80%. In summary, the available evidence is currently insufficient to determine the role of this variant in disease. Therefore, it has been classified as a Variant of Uncertain Significance.

Baylor Genetics
Classification: Uncertain significance for Combined oxidative phosphorylation defect type 8. Last evaluated: 2019-01-10. Review status: criteria provided, single submitter. Criteria: ACMG Guidelines, 2015. Collection method: clinical testing. Allele origin: unknown. Affected: yes.
Comment: This variant was determined to be of uncertain significance according to ACMG Guidelines, 2015 [PMID:25741868].

CeGaT Center for Human Genetics Tuebingen
Classification: Uncertain significance. Last evaluated: 2017-10-01. Review status: criteria provided, single submitter. Criteria: CeGaT Center For Human Genetics Tuebingen Variant Classification Criteria Version 2. Collection method: clinical testing. Allele origin: germline. Affected: yes. Observed: 1 variant allele.